The following is an entry in ClinVar:

NM_015192.4(PLCB1):c.912C>T (p.Asn304=)

Gene: PLCB1 (phospholipase C beta 1; plus strand). Cytogenetic location: 20p12.3.
Variant type: single nucleotide variant.
Coding change: c.912C>T on transcript NM_015192.4 (MANE Select); coding-DNA position 912, C replaced by T.
Protein change: p.Asn304=; no amino-acid change (asparagine 304 retained).
Molecular consequence: synonymous variant.
Genome position (GRCh38, 1-based): chr20:8,684,981, C>T. VCF-style: chr20-8684981-C-T. GRCh37 (hg19) VCF-style: chr20-8665628-C-T.
Other names: c.912C>T, p.Asn304= (NM_182734.3); c.912C>T (NM_015192.3).
Identifiers: ClinVar variation 1106556 (VCV001106556.11), dbSNP rs374061975, ClinGen allele CA311225148.
Genomic context (GRCh38, chr20:8,684,981, plus strand): 5'-ATTTCCTCCAGGACAAATATCAGTGGATGGGTTCATGCGCTATCTGAGTGGAGAAGAAAA[C>T]GGAGTCGTTTCACCTGAGAAACTGGATTTGAATGAAGACATGTCTCAGCCCCTTTCTCAC-3'
Protein context (NP_056007.1, residues 294-314): GFMRYLSGEE[Asn304=]GVVSPEKLDL

ClinVar aggregate classification (germline): Likely benign. Review status: criteria provided, single submitter (1 of 4 stars). 2 submissions from 2 submitters: Likely benign (1). 1 of the submissions does not count toward it. Last evaluated 2025-10-16.

Conditions:
PLCB1-related disorder. Also called: PLCB1-related condition.
Developmental and epileptic encephalopathy, 12 (DEE12). Identifiers: MedGen C3150988, MONDO:0013389, OMIM 613722.

Allele frequency attached by ClinVar (database versions not stated): gnomAD exomes 0.00001; gnomAD 0.00005 and 0.00006; TOPMed 0.00005; ESP Exome Variant Server 0.00008.
gnomAD v4.1: 28 of 1,613,348 alleles (0.0017%); highest among the groups gnomAD compares: Middle Eastern, 0.016%; no homozygotes.

Submissions (2):

Labcorp Genetics (formerly Invitae), Labcorp
Classification: Likely benign for Developmental and epileptic encephalopathy, 12. Last evaluated: 2025-10-16. Review status: criteria provided, single submitter. Criteria: Invitae Variant Classification Sherloc (09022015). Collection method: clinical testing. Allele origin: germline.

PreventionGenetics, part of Exact Sciences
Classification: Likely benign for PLCB1-related condition. Last evaluated: 2019-07-16. Review status: no assertion criteria provided. Collection method: clinical testing. Allele origin: germline. Not counted in ClinVar's aggregate classification.
Comment: This variant is classified as likely benign based on ACMG/AMP sequence variant interpretation guidelines (Richards et al. 2015 PMID: 25741868, with internal and published modifications).